The following is an entry in ClinVar:

NM_018026.4(PACS1):c.1858A>G (p.Met620Val)

Gene: PACS1 (phosphofurin acidic cluster sorting protein 1; plus strand). Cytogenetic location: 11q13.2.
Variant type: single nucleotide variant.
Coding change: c.1858A>G on transcript NM_018026.4 (MANE Select); coding-DNA position 1858, A replaced by G.
Protein change: p.Met620Val; replaces methionine 620 with valine.
Molecular consequence: missense variant.
Genome position (GRCh38, 1-based): chr11:66,233,804, A>G. VCF-style: chr11-66233804-A-G. GRCh37 (hg19) VCF-style: chr11-66001275-A-G.
Other names: short protein forms M620V.
Identifiers: ClinVar variation 4753435 (VCV004753435.1).

ClinVar aggregate classification (germline): Uncertain significance (1 of 4 stars; one submission).

Conditions:
Schuurs-Hoeijmakers syndrome. Also called: PACS1-Related Neurodevelopmental Disorder. Identifiers: Orphanet 329224, MedGen C3554343, MONDO:0014006, OMIM 615009.

gnomAD v4.1: 2 of 1,613,754 alleles (0.00012%); highest among the groups gnomAD compares: Admixed American, 0.0017%; no homozygotes.

Submission:

Labcorp Genetics (formerly Invitae), Labcorp
Classification: Uncertain significance for Schuurs-Hoeijmakers syndrome. Last evaluated: 2025-09-12. Review status: criteria provided, single submitter. Criteria: Invitae Variant Classification Sherloc (09022015). Collection method: clinical testing. Allele origin: germline.
Comment: This sequence change replaces methionine, which is neutral and non-polar, with valine, which is neutral and non-polar, at codon 620 of the PACS1 protein (p.Met620Val). This variant is not present in population databases (gnomAD no frequency). This variant has not been reported in the literature in individuals affected with PACS1-related conditions. Invitae Evidence Modeling of protein sequence and biophysical properties (such as structural, functional, and spatial information, amino acid conservation, physicochemical variation, residue mobility, and thermodynamic stability) indicates that this missense variant is not expected to disrupt PACS1 protein function with a negative predictive value of 80%. In summary, the available evidence is currently insufficient to determine the role of this variant in disease. Therefore, it has been classified as a Variant of Uncertain Significance.